The following is an entry in ClinVar:

ClinVar aggregate classification (germline): Uncertain significance. Review status: criteria provided, multiple submitters, no conflicts (2 of 4 stars). 5 submissions from 5 submitters: Uncertain significance (5). Last evaluated 2026-07-26.

Conditions:
Cardiovascular phenotype. Identifiers: MedGen CN230736.
Cardiomyopathy (CMYO). Also called: Cardiomyopathies. Identifiers: Orphanet 167848, MedGen C0878544, MONDO:0004994, HP:0001638. Inheritance: Various modes of inheritance.
MYH7-related disorder. Also called: MYH7-related condition; MYH7-related disease; MYH7-related disorders.
Hypertrophic cardiomyopathy. Also called: HYPERTROPHIC MYOCARDIOPATHY. Identifiers: Orphanet 217569, MedGen C0007194, MeSH D002312, MONDO:0005045, HP:0001639.

Allele frequency attached by ClinVar (database versions not stated): TOPMed below 0.00001; gnomAD 0.00001; gnomAD exomes 0.00002.
gnomAD v4.1: 35 of 1,612,728 alleles (0.0022%); highest among the groups gnomAD compares: Non-Finnish European, 0.0029%; no homozygotes.

Submissions (5):

Ambry Genetics
Classification: Uncertain significance for Cardiovascular phenotype. Last evaluated: 2026-07-26. Review status: criteria provided, single submitter. Criteria: Ambry Variant Classification Scheme 2023. Collection method: clinical testing. Allele origin: germline.
Comment: The p.K1081R variant (also known as c.3242A>G), located in coding exon 23 of the MYH7 gene, results from an A to G substitution at nucleotide position 3242. The lysine at codon 1081 is replaced by arginine, an amino acid with highly similar properties. This amino acid position is conserved. In addition, the in silico prediction for this alteration is inconclusive. Based on the available evidence, the clinical significance of this variant remains unclear.

PreventionGenetics, part of Exact Sciences
Classification: Uncertain significance for MYH7-related condition. Last evaluated: 2025-10-03. Review status: criteria provided, single submitter. Criteria: ACMG Guidelines, 2015. Collection method: clinical testing. Allele origin: germline.
Comment: The MYH7 c.3242A>G variant is predicted to result in the amino acid substitution p.Lys1081Arg. To our knowledge, this variant has not been reported in the literature. This variant is reported in 0.0065% of alleles in individuals of European (Non-Finnish) descent in gnomAD. At this time, the clinical significance of this variant is uncertain due to the absence of conclusive functional and genetic evidence.

All of Us Research Program, National Institutes of Health
Classification: Uncertain significance for Cardiomyopathy. Last evaluated: 2023-08-23. Review status: criteria provided, single submitter. Criteria: ACMG Guidelines, 2015. Collection method: clinical testing. Allele origin: germline. Inheritance: Autosomal dominant inheritance. Observed: 2 variant alleles, 2 heterozygotes.
Comment: This missense variant replaces lysine with arginine at codon 1081 of the MYH7 protein. Computational prediction is inconclusive regarding the impact of this variant on protein structure and function (internally defined REVEL score threshold 0.5 < inconclusive < 0.7, PMID: 27666373). To our knowledge, functional studies have not been reported for this variant. This variant has not been reported in individuals affected with MYH7-related disorders in the literature. This variant has been identified in 1/31376 chromosomes in the general population by the Genome Aggregation Database (gnomAD). The available evidence is insufficient to determine the role of this variant in disease conclusively. Therefore, this variant is classified as a Variant of Uncertain Significance.

This study involves interpretation of variants in research participants for the purpose of population health screening. Participant phenotype was not available at the time of variant classification. Additional details can be found in publication PMID: 35346344, PMCID: PMC8962531

Labcorp Genetics (formerly Invitae), Labcorp
Classification: Uncertain significance for Hypertrophic cardiomyopathy. Last evaluated: 2022-05-24. Review status: criteria provided, single submitter. Criteria: Invitae Variant Classification Sherloc (09022015). Collection method: clinical testing. Allele origin: germline.
Comment: This sequence change replaces lysine, which is basic and polar, with arginine, which is basic and polar, at codon 1081 of the MYH7 protein (p.Lys1081Arg). This variant is not present in population databases (gnomAD no frequency). This variant has not been reported in the literature in individuals affected with MYH7-related conditions. ClinVar contains an entry for this variant (Variation ID: 1216893). Algorithms developed to predict the effect of missense changes on protein structure and function are either unavailable or do not agree on the potential impact of this missense change (SIFT: "Deleterious"; PolyPhen-2: "Possibly Damaging"; Align-GVGD: "Class C0"). In summary, the available evidence is currently insufficient to determine the role of this variant in disease. Therefore, it has been classified as a Variant of Uncertain Significance.

GeneDx
Classification: Uncertain significance. Last evaluated: 2019-08-12. Review status: criteria provided, single submitter. Criteria: GeneDx Variant Classification Process June 2021. Collection method: clinical testing. Allele origin: germline. Affected: yes.
Comment: Has not been previously published as pathogenic or benign to our knowledge; Not observed at a significant frequency in large population cohorts (Lek et al., 2016); In silico analysis, which includes protein predictors and evolutionary conservation, supports that this variant does not alter protein structure/function

NM_000257.4(MYH7):c.3242A>G (p.Lys1081Arg)

Gene: MYH7 (myosin heavy chain 7; minus strand). Cytogenetic location: 14q11.2.
Variant type: single nucleotide variant.
Coding change: c.3242A>G on transcript NM_000257.4 (MANE Select); coding-DNA position 3242, A replaced by G.
Protein change: p.Lys1081Arg; replaces lysine 1081 with arginine.
Molecular consequence: missense variant.
Genome position (GRCh38, 1-based): chr14:23,422,183, T>C on the plus strand (A>G on the coding strand, the complement: MYH7 is on the minus strand). VCF-style: chr14-23422183-T-C. GRCh37 (hg19) VCF-style: chr14-23891392-T-C.
Other names: c.3242A>G (NM_000257.3); short protein forms K1081R.
Identifiers: ClinVar variation 1216893 (VCV001216893.8), dbSNP rs1566529102, ClinGen allele CA389045068.